The following is an entry in ClinVar:

NM_022081.6(HPS4):c.1060T>A (p.Ser354Thr)

Gene: HPS4 (HPS4 biogenesis of lysosomal organelles complex 3 subunit 2; minus strand). Cytogenetic location: 22q12.1.
Variant type: single nucleotide variant.
Coding change: c.1060T>A on transcript NM_022081.6 (MANE Select); coding-DNA position 1060, T replaced by A.
Protein change: p.Ser354Thr; replaces serine 354 with threonine.
Molecular consequence: missense variant. On other transcripts: non-coding transcript variant (8).
Genome position (GRCh38, 1-based): chr22:26,464,570, A>T on the plus strand (T>A on the coding strand, the complement: HPS4 is on the minus strand). VCF-style: chr22-26464570-A-T. GRCh37 (hg19) VCF-style: chr22-26860536-A-T.
Other names: c.1060T>A, p.Ser354Thr (NM_001349896.1, NM_001349898.2, NM_001349899.2 and 4 more transcripts); c.1114T>A, p.Ser372Thr (NM_001349900.2, NM_001349901.1); c.1045T>A, p.Ser349Thr (NM_152841.2); short protein forms S349T, S354T, S372T.
Identifiers: ClinVar variation 226657 (VCV000226657.13), dbSNP rs114685298, ClinGen allele CA10163414.

ClinVar aggregate classification (germline): Benign. Review status: criteria provided, multiple submitters, no conflicts (2 of 4 stars). 4 submissions from 4 submitters: Benign (4). Last evaluated 2019-12-31.

Conditions:
Hermansky-Pudlak syndrome 4 (HPS4). Identifiers: Orphanet 231500, Orphanet 79430, MedGen C3484357, MONDO:0013556, OMIM 614073.

Allele frequency attached by ClinVar (database versions not stated): ExAC 0.00264; TOPMed 0.00843; ESP Exome Variant Server 0.00900; 1000 Genomes Project 0.01098; 1000 Genomes Project 30x 0.01109.
gnomAD v4.1: 2,372 of 1,614,124 alleles (0.15%); highest among the groups gnomAD compares: African/African-American, 2.8%; 32 homozygotes.

Submissions (4):

Labcorp Genetics (formerly Invitae), Labcorp
Classification: Benign. Last evaluated: 2019-12-31. Review status: criteria provided, single submitter. Criteria: Invitae Variant Classification Sherloc (09022015). Collection method: clinical testing. Allele origin: germline.

Illumina Laboratory Services, Illumina
Classification: Benign for Hermansky-Pudlak syndrome 4. Last evaluated: 2018-01-13. Review status: criteria provided, single submitter. Criteria: ICSL Variant Classification Criteria 13 December 2019. Collection method: clinical testing. Allele origin: germline.
Comment: This variant was observed in the ICSL laboratory as part of a predisposition screen in an ostensibly healthy population. It had not been previously curated by ICSL or reported in the Human Gene Mutation Database (HGMD: prior to June 1st, 2018), and was therefore a candidate for classification through an automated scoring system. Utilizing variant allele frequency, disease prevalence and penetrance estimates, and inheritance mode, an automated score was calculated to assess if this variant is too frequent to cause the disease. Based on the score and internal cut-off values, a variant classified as benign is not then subjected to further curation. The score for this variant resulted in a classification of benign for this disease.

Laboratory for Molecular Medicine, Mass General Brigham Personalized Medicine
Classification: Benign. Last evaluated: 2013-02-21. Review status: criteria provided, single submitter. Criteria: LMM Criteria. Collection method: clinical testing. Allele origin: germline. Observed: 2 variant alleles.
Comment: Ser354Thr in exon 11 of HPS4: This variant is not expected to have clinical sign ificance because it has been identified in 2.6% (116/4406) of African American c hromosomes from a broad population by the NHLBI Exome Sequencing Project (dbSNP rs114685298).

Breakthrough Genomics
Classification: Benign. Review status: criteria provided, single submitter. Criteria: ACMG Guidelines, 2015. Collection method: not provided. Allele origin: germline. Inheritance: Autosomal recessive inheritance. Affected: yes.